The following is an entry in ClinVar:

NM_170682.4(P2RX2):c.766G>A (p.Ala256Thr)

Gene: P2RX2 (purinergic receptor P2X 2; plus strand). Cytogenetic location: 12q24.33.
Variant type: single nucleotide variant.
Coding change: c.766G>A on transcript NM_170682.4 (MANE Select); coding-DNA position 766, G replaced by A.
Protein change: p.Ala256Thr; replaces alanine 256 with threonine.
Molecular consequence: missense variant.
Genome position (GRCh38, 1-based): chr12:132,620,575, G>A. VCF-style: chr12-132620575-G-A. GRCh37 (hg19) VCF-style: chr12-133197161-G-A.
Other names: c.659G>A, p.Arg220His (NM_001282164.2); c.766G>A, p.Ala256Thr (NM_001282165.2, NM_170683.4, NM_174873.3); c.550G>A, p.Ala184Thr (NM_012226.5); c.694G>A, p.Ala232Thr (NM_016318.4); c.490G>A, p.Ala164Thr (NM_174872.3); short protein forms R220H, A164T, A232T, A184T, A256T.
Identifiers: ClinVar variation 4984737 (VCV004984737.1).

ClinVar aggregate classification (germline): Uncertain significance (1 of 4 stars; one submission).

Conditions:
P2RX2-related disorder. Also called: P2RX2-related condition.

Submission:

PreventionGenetics, part of Exact Sciences
Classification: Uncertain significance for P2RX2-related condition. Last evaluated: 2026-03-14. Review status: criteria provided, single submitter. Criteria: ACMG Guidelines, 2015. Collection method: clinical testing. Allele origin: germline.
Comment: The P2RX2 c.766G>A variant is predicted to result in the amino acid substitution p.Ala256Thr. To our knowledge, this variant has not been reported in the literature. This variant is reported in 0.0029% of alleles in individuals of Latino descent in gnomAD. At this time, the clinical significance of this variant is uncertain due to the absence of conclusive functional and genetic evidence.